The following is an entry in ClinVar:

NM_001273.5(CHD4):c.914G>A (p.Arg305His)

Gene: CHD4 (chromodomain helicase DNA binding protein 4; minus strand). Cytogenetic location: 12p13.31.
Variant type: single nucleotide variant.
Coding change: c.914G>A on transcript NM_001273.5 (MANE Select); coding-DNA position 914, G replaced by A.
Protein change: p.Arg305His; replaces arginine 305 with histidine.
Molecular consequence: missense variant.
Genome position (GRCh38, 1-based): chr12:6,600,939, C>T on the plus strand (G>A on the coding strand, the complement: CHD4 is on the minus strand). VCF-style: chr12-6600939-C-T. GRCh37 (hg19) VCF-style: chr12-6710105-C-T.
Other names: c.893G>A, p.Arg298His (NM_001297553.2); c.914G>A, p.Arg305His (NM_001363606.2); short protein forms R298H, R305H.
Identifiers: ClinVar variation 2965958 (VCV002965958.3), dbSNP rs760698915, ClinGen allele CA6412389.
Genomic context (GRCh38, chr12:6,600,939, plus strand): 5'-TCTATTAGACATGGCACCCTCCCTAAAGCGATGGGCTGGGCTCTCACCGAGGATCTCTTA[C>T]GCTTGGAACCAAAACCTCCCAGCTTGATTTTCAGGGGAGCTACTTTCTTGGGTTTAGGCT-3'
Protein context (NP_001264.2, residues 295-315): KIKLGGFGSK[Arg305His]KRSSSEDDDL

ClinVar aggregate classification (germline): Uncertain significance (1 of 4 stars; one submission).

Allele frequency attached by ClinVar (database versions not stated): ExAC 0.00001.
gnomAD v4.1: 6 of 1,594,362 alleles (0.00038%); highest among the groups gnomAD compares: Non-Finnish European, 0.00034%; no homozygotes.

Submission:

Labcorp Genetics (formerly Invitae), Labcorp
Classification: Uncertain significance. Last evaluated: 2023-09-27. Review status: criteria provided, single submitter. Criteria: Invitae Variant Classification Sherloc (09022015). Collection method: clinical testing. Allele origin: germline.
Comment: In summary, the available evidence is currently insufficient to determine the role of this variant in disease. Therefore, it has been classified as a Variant of Uncertain Significance. Algorithms developed to predict the effect of sequence changes on RNA splicing suggest that this variant may disrupt the consensus splice site. Advanced modeling of protein sequence and biophysical properties (such as structural, functional, and spatial information, amino acid conservation, physicochemical variation, residue mobility, and thermodynamic stability) performed at Invitae indicates that this missense variant is not expected to disrupt CHD4 protein function. This variant has not been reported in the literature in individuals affected with CHD4-related conditions. This variant is present in population databases (rs760698915, gnomAD 0.001%). This sequence change replaces arginine, which is basic and polar, with histidine, which is basic and polar, at codon 305 of the CHD4 protein (p.Arg305His).